The following is an entry in ClinVar:

ClinVar aggregate classification (germline): Uncertain significance (1 of 4 stars; one submission).

Conditions:
Inborn genetic diseases. Identifiers: MedGen C0950123, MeSH D030342.

Allele frequency attached by ClinVar (database versions not stated): gnomAD exomes below 0.00001.
gnomAD v4.1: 4 of 1,614,120 alleles (0.00025%); highest among the groups gnomAD compares: Non-Finnish European, 0.00025%; no homozygotes.

Submission:

Ambry Genetics
Classification: Uncertain significance for Inborn genetic diseases. Last evaluated: 2019-10-28. Review status: criteria provided, single submitter. Criteria: Ambry Variant Classification Scheme 2023. Collection method: clinical testing. Allele origin: germline.
Comment: The p.K174E variant (also known as c.520A>G), located in coding exon 5 of the VAPB gene, results from an A to G substitution at nucleotide position 520. The lysine at codon 174 is replaced by glutamic acid, an amino acid with similar properties. This amino acid position is well conserved in available vertebrate species. In addition, this alteration is predicted to be tolerated by in silico analysis. Since supporting evidence is limited at this time, the clinical significance of this alteration remains unclear.

NM_004738.5(VAPB):c.520A>G (p.Lys174Glu)

Gene: VAPB (VAMP associated protein B and C; plus strand). Cytogenetic location: 20q13.32.
Variant type: single nucleotide variant.
Coding change: c.520A>G on transcript NM_004738.5 (MANE Select); coding-DNA position 520, A replaced by G.
Protein change: p.Lys174Glu; replaces lysine 174 with glutamic acid.
Molecular consequence: missense variant. On other transcripts: non-coding transcript variant (1), intron variant (1).
Genome position (GRCh38, 1-based): chr20:58,441,030, A>G. VCF-style: chr20-58441030-A-G. GRCh37 (hg19) VCF-style: chr20-57016086-A-G.
Other names: c.212-3047A>G (NM_001195677.2); short protein forms K174E.
Identifiers: ClinVar variation 1746080 (VCV001746080.2), dbSNP rs1600818438, ClinGen allele CA409439767.